The following is an entry in ClinVar:

NM_006164.5(NFE2L2):c.403G>T (p.Val135Phe)

Gene: NFE2L2 (NFE2 like bZIP transcription factor 2; minus strand). Cytogenetic location: 2q31.2.
Variant type: single nucleotide variant.
Coding change: c.403G>T on transcript NM_006164.5 (MANE Select); coding-DNA position 403, G replaced by T.
Protein change: p.Val135Phe; replaces valine 135 with phenylalanine.
Molecular consequence: missense variant. On other transcripts: intron variant (1).
Genome position (GRCh38, 1-based): chr2:177,232,583, C>A on the plus strand (G>T on the coding strand, the complement: NFE2L2 is on the minus strand). VCF-style: chr2-177232583-C-A. GRCh37 (hg19) VCF-style: chr2-178097311-C-A.
Other names: c.355G>T, p.Val119Phe (NM_001145412.3, NM_001313900.1, NM_001313901.1); c.313G>T, p.Val105Phe (NM_001313902.2); c.184G>T, p.Val62Phe (NM_001313903.2); c.103G>T, p.Val35Phe (NM_001313904.1); c.355-21G>T (NM_001145413.3); short protein forms V105F, V119F, V135F, V35F, V62F.
Identifiers: ClinVar variation 3623560 (VCV003623560.3).

ClinVar aggregate classification (germline): Uncertain significance (1 of 4 stars; one submission).

Submissions (2):

Labcorp Genetics (formerly Invitae), Labcorp
Classification: Uncertain significance. Last evaluated: 2025-01-23. Review status: criteria provided, single submitter. Criteria: Invitae Variant Classification Sherloc (09022015). Collection method: clinical testing. Allele origin: germline.
Comment: This sequence change replaces valine, which is neutral and non-polar, with phenylalanine, which is neutral and non-polar, at codon 135 of the NFE2L2 protein (p.Val135Phe). This variant is present in population databases (rs774282890, gnomAD 0.0009%). This variant has not been reported in the literature in individuals affected with NFE2L2-related conditions. An algorithm developed to predict the effect of missense changes on protein structure and function (PolyPhen-2) suggests that this variant is likely to be disruptive. Algorithms developed to predict the effect of sequence changes on RNA splicing suggest that this variant may disrupt the consensus splice site. In summary, the available evidence is currently insufficient to determine the role of this variant in disease. Therefore, it has been classified as a Variant of Uncertain Significance.

Dr. Peter K. Rogan Lab, Western University
No classification provided (evidence only). Condition: Lung cancer. Review status: no classification provided. Collection method: in vitro. Allele origin: not applicable. Functional consequence: skipped exon, retained intron. Not counted in ClinVar's aggregate classification.